The following is an entry in ClinVar:

NM_000037.4(ANK1):c.441_466del (p.Pro147_Leu148insTer)

Genes: ANK1 (ankyrin 1; minus strand), LOC124153154 (Sharpr-MPRA regulatory region 1462; plus strand). Cytogenetic location: 8p11.21.
Variant type: Deletion.
Coding change: c.441_466del on transcript NM_000037.4 (MANE Select); coding-DNA positions 441 to 466, 26 bases deleted (TCTGGCGGTAGCCCTGCAGCAGGGCC).
Protein change: p.Pro147_Leu148insTer.
Molecular consequence: frameshift variant.
Genome position (GRCh38, 1-based): chr8:41,725,907-41,725,932, GGCCCTGCTGCAGGGCTACCGCCAGA deleted on the plus strand (TCTGGCGGTAGCCCTGCAGCAGGGCC on the coding strand, the reverse complement: ANK1 is on the minus strand); deleting any 26 consecutive bases within chr8:41,725,907-41,725,935 gives the same sequence; the c. name uses the placement nearest the transcript's 3' end. VCF-style (leftmost placement, unchanged base first): chr8-41725906-TGGCCCTGCTGCAGGGCTACCGCCAGA-T. GRCh37 (hg19) VCF-style: chr8-41583424-TGGCCCTGCTGCAGGGCTACCGCCAGA-T.
Other names: c.540_565del, p.Pro180_Leu181insTer (NM_001142446.2); c.441_466del, p.Pro147_Leu148insTer (NM_020475.3, NM_020476.3, NM_020477.3).
Identifiers: ClinVar variation 2433769 (VCV002433769.4), dbSNP rs2486988302, ClinGen allele CA2580078447.

ClinVar aggregate classification (germline): Pathogenic/Likely pathogenic. Review status: criteria provided, multiple submitters, no conflicts (2 of 4 stars). 2 submissions from 2 submitters: Pathogenic (1); Likely pathogenic (1). Last evaluated 2025-05-19.

Conditions:
Hereditary spherocytosis type 1. Also called: Spherocytosis type 1; ANK1-Related Spherocytosis. Identifiers: Orphanet 822, MedGen C2674218, MONDO:0008447, OMIM 182900.

Submissions (2):

Labcorp Genetics (formerly Invitae), Labcorp
Classification: Pathogenic. Last evaluated: 2025-05-19. Review status: criteria provided, single submitter. Criteria: Invitae Variant Classification Sherloc (09022015). Collection method: clinical testing. Allele origin: germline.
Comment: This sequence change creates a premature translational stop signal (p.Leu148*) in the ANK1 gene. It is expected to result in an absent or disrupted protein product. Loss-of-function variants in ANK1 are known to be pathogenic (PMID: 8640229). This variant is not present in population databases (gnomAD no frequency). This variant has not been reported in the literature in individuals affected with ANK1-related conditions. ClinVar contains an entry for this variant (Variation ID: 2433769). For these reasons, this variant has been classified as Pathogenic.

Revvity Omics, Revvity
Classification: Likely pathogenic for Hereditary spherocytosis type 1. Last evaluated: 2023-01-09. Review status: criteria provided, single submitter. Criteria: ACMG Guidelines, 2015. Collection method: clinical testing. Allele origin: germline.

Literature cited by the submitters: PubMed 8640229 (cited by Labcorp Genetics (formerly Invitae), Labcorp).